The following is an entry in ClinVar:

ClinVar aggregate classification (germline): Conflicting classifications of pathogenicity. Review status: criteria provided, conflicting classifications (1 of 4 stars). 6 submissions from 6 submitters: Uncertain significance (1); Likely benign (4). 1 of the submissions does not count toward it. Last evaluated 2025-12-01.

Conditions:
LRP5-related disorder. Also called: LRP5-related condition.

Allele frequency attached by ClinVar (database versions not stated): ExAC 0.00006; gnomAD exomes 0.00007; gnomAD 0.00014 and 0.00016; ESP Exome Variant Server 0.00015; TOPMed 0.00017.
gnomAD v4.1: 292 of 1,613,530 alleles (0.018%); highest among the groups gnomAD compares: Non-Finnish European, 0.023%; no homozygotes.

Submissions (6):

Labcorp Genetics (formerly Invitae), Labcorp
Classification: Likely benign. Last evaluated: 2025-12-01. Review status: criteria provided, single submitter. Criteria: Invitae Variant Classification Sherloc (09022015). Collection method: clinical testing. Allele origin: germline.

Women's Health and Genetics/Laboratory Corporation of America, LabCorp
Classification: Likely benign. Last evaluated: 2024-12-06. Review status: criteria provided, single submitter. Criteria: LabCorp Variant Classification Summary - May 2015. Collection method: clinical testing. Allele origin: germline.

Blueprint Genetics
Classification: Likely benign. Last evaluated: 2023-10-30. Review status: criteria provided, single submitter. Criteria: ACMG Guidelines, 2015. Collection method: clinical testing. Allele origin: germline.

GeneDx
Classification: Likely benign. Last evaluated: 2019-11-21. Review status: criteria provided, single submitter. Criteria: GeneDx Variant Classification Process June 2021. Collection method: clinical testing. Allele origin: germline. Affected: yes.

Eurofins Ntd Llc (ga)
Classification: Uncertain significance. Last evaluated: 2017-08-03. Review status: criteria provided, single submitter. Criteria: EGL Classification Definitions 2015. Collection method: clinical testing. Allele origin: germline. Observed: 1 variant allele, 1 heterozygote.

PreventionGenetics, part of Exact Sciences
Classification: Likely benign for LRP5-related condition. Last evaluated: 2024-08-07. Review status: no assertion criteria provided. Collection method: clinical testing. Allele origin: germline. Not counted in ClinVar's aggregate classification.
Comment: This variant is classified as likely benign based on ACMG/AMP sequence variant interpretation guidelines (Richards et al. 2015 PMID: 25741868, with internal and published modifications).

NM_002335.4(LRP5):c.1299C>T (p.Thr433=)

Gene: LRP5 (LDL receptor related protein 5; plus strand). Cytogenetic location: 11q13.2.
Variant type: single nucleotide variant.
Coding change: c.1299C>T on transcript NM_002335.4 (MANE Select); coding-DNA position 1299, C replaced by T.
Protein change: p.Thr433=; no amino-acid change (threonine 433 retained).
Molecular consequence: synonymous variant. On other transcripts: 5 prime UTR variant (1).
Genome position (GRCh38, 1-based): chr11:68,386,599, C>T. VCF-style: chr11-68386599-C-T. GRCh37 (hg19) VCF-style: chr11-68154067-C-T.
Other names: c.-467C>T (NM_001291902.2).
Identifiers: ClinVar variation 593309 (VCV000593309.21), dbSNP rs145362529, ClinGen allele CA6149294.